The following is an entry in ClinVar:

NM_018418.5(SPATA7):c.904A>G (p.Ile302Val)

Gene: SPATA7 (spermatogenesis associated 7; plus strand). Cytogenetic location: 14q31.3.
Variant type: single nucleotide variant.
Coding change: c.904A>G on transcript NM_018418.5 (MANE Select); coding-DNA position 904, A replaced by G.
Protein change: p.Ile302Val; replaces isoleucine 302 with valine.
Molecular consequence: missense variant.
Genome position (GRCh38, 1-based): chr14:88,427,688, A>G. VCF-style: chr14-88427688-A-G. GRCh37 (hg19) VCF-style: chr14-88894032-A-G.
Other names: c.808A>G, p.Ile270Val (NM_001040428.4); c.904A>G (NM_018418.4); short protein forms I270V, I302V.
Identifiers: ClinVar variation 1431931 (VCV001431931.7), dbSNP rs774986202, ClinGen allele CA7298624.
Genomic context (GRCh38, chr14:88,427,688, plus strand): 5'-AGCTTTAAATCTGAGTTGGGGACAGCTGAGACTAAAAACATGACAGATTCAGAAATGAAC[A>G]TAAAGCAGGTAATAAGTATGAAATCTTTTGGTATTGCTACATTTGAATTACAGATGTTTT-3'
Protein context (NP_060888.2, residues 292-312): TKNMTDSEMN[Ile302Val]KQASNCVTYD

ClinVar aggregate classification (germline): Uncertain significance. Review status: criteria provided, multiple submitters, no conflicts (2 of 4 stars). 2 submissions from 2 submitters: Uncertain significance (2). Last evaluated 2025-01-13.

Conditions:
Inborn genetic diseases. Identifiers: MedGen C0950123, MeSH D030342.
Leber congenital amaurosis 3 (LCA3). Also called: SPATA7-Related Retinitis Pigmentosa. Identifiers: MedGen C1858677, MONDO:0011415, OMIM 604232.

Allele frequency attached by ClinVar (database versions not stated): TOPMed below 0.00001.
gnomAD v4.1: 2 of 1,607,992 alleles (0.00012%); highest among the groups gnomAD compares: Admixed American, 0.0033%; no homozygotes.

Submissions (2):

Labcorp Genetics (formerly Invitae), Labcorp
Classification: Uncertain significance for Leber congenital amaurosis 3. Last evaluated: 2025-01-13. Review status: criteria provided, single submitter. Criteria: Invitae Variant Classification Sherloc (09022015). Collection method: clinical testing. Allele origin: germline.
Comment: This sequence change replaces isoleucine, which is neutral and non-polar, with valine, which is neutral and non-polar, at codon 302 of the SPATA7 protein (p.Ile302Val). This variant is present in population databases (rs774986202, gnomAD 0.006%). This variant has not been reported in the literature in individuals affected with SPATA7-related conditions. ClinVar contains an entry for this variant (Variation ID: 1431931). Invitae Evidence Modeling of protein sequence and biophysical properties (such as structural, functional, and spatial information, amino acid conservation, physicochemical variation, residue mobility, and thermodynamic stability) indicates that this missense variant is not expected to disrupt SPATA7 protein function with a negative predictive value of 80%. In summary, the available evidence is currently insufficient to determine the role of this variant in disease. Therefore, it has been classified as a Variant of Uncertain Significance.

Ambry Genetics
Classification: Uncertain significance for Inborn genetic diseases. Last evaluated: 2025-01-04. Review status: criteria provided, single submitter. Criteria: Ambry Variant Classification Scheme 2023. Collection method: clinical testing. Allele origin: germline.